The following is an entry in ClinVar:

Conditions:
Long QT syndrome 5 (LQT5). Identifiers: Orphanet 101016, Orphanet 768, MedGen C1867904, MONDO:0013372, OMIM 613695.

Submission:

Roden Lab, Vanderbilt University Medical Center
No classification provided (evidence only). Condition: Long QT syndrome 5. Review status: no classification provided. Collection method: in vitro. Allele origin: not applicable. Functional consequence: Effect on ion channel function.
ClinVar note: "not provided" was previously submitted as the classification for the variant. However, the classification appeared to be based only on an observation of functional data so it was converted to no classification on 2025-07-30.

NM_000219.6(KCNE1):c.358A>C (p.Thr120Pro)

Gene: KCNE1 (potassium voltage-gated channel subfamily E regulatory subunit 1; minus strand). Cytogenetic location: 21q22.12.
Variant type: single nucleotide variant.
Coding change: c.358A>C on transcript NM_000219.6 (MANE Select); coding-DNA position 358, A replaced by C.
Protein change: p.Thr120Pro; replaces threonine 120 with proline.
Molecular consequence: missense variant.
Genome position (GRCh38, 1-based): chr21:34,449,277, T>G on the plus strand (A>C on the coding strand, the complement: KCNE1 is on the minus strand). VCF-style: chr21-34449277-T-G. GRCh37 (hg19) VCF-style: chr21-35821575-T-G.
Other names: c.358A>C, p.Thr120Pro (NM_001127669.4, NM_001127670.4, NM_001270402.3 and 4 more transcripts); short protein forms T120P.
Identifiers: ClinVar variation 3373804 (VCV003373804.2).